The following is an entry in ClinVar:

NM_005450.6(NOG):c.613dup (p.Trp205fs)

Gene: NOG (noggin; plus strand). Cytogenetic location: 17q22.
Variant type: Duplication.
Coding change: c.613dup on transcript NM_005450.6 (MANE Select); coding-DNA position 613, one base duplicated (T; older notation c.613dupT).
Protein change: p.Trp205fs; shifts the reading frame from tryptophan 205.
Molecular consequence: frameshift variant.
Genome position (GRCh38, 1-based): chr17:56,594,836, T duplicated. VCF-style (leftmost placement, unchanged base first): chr17-56594835-G-GT. GRCh37 (hg19) VCF-style: chr17-54672196-G-GT.
Other names: short protein forms W205fs.
Identifiers: ClinVar variation 3250390 (VCV003250390.1), dbSNP rs2545137910.

ClinVar aggregate classification (germline): Pathogenic (1 of 4 stars; one submission).

Conditions:
Stapes ankylosis with broad thumbs and toes. Also called: ANKYLOSIS OF STAPES, HYPEROPIA, BROAD THUMBS, BROAD FIRST TOES, AND SYNDACTYLY; STAPES ANKYLOSIS SYNDROME WITHOUT SYMPHALANGISM; TEUNISSEN-CREMERS SYNDROME. Identifiers: Orphanet 140917, MedGen C1866656, MONDO:0008484, OMIM 184460.

Submission:

Laboratory of Prof. Karen Avraham, Tel Aviv University
Classification: Pathogenic for Stapes ankylosis with broad thumbs and toes. Last evaluated: 2024-06-04. Review status: criteria provided, single submitter. Criteria: ACMG Guidelines, 2015. Collection method: research. Allele origin: germline. Affected: yes. Observed: 1 variant allele.
Comment: A known AD deafness gene with a known stop mutation at the same amino acid

Autosomal dominant, congenital HL